The following is an entry in ClinVar:

NM_000138.5(FBN1):c.5233G>A (p.Ala1745Thr)

Gene: FBN1 (fibrillin 1; minus strand). Cytogenetic location: 15q21.1.
Variant type: single nucleotide variant.
Coding change: c.5233G>A on transcript NM_000138.5 (MANE Select); coding-DNA position 5233, G replaced by A.
Protein change: p.Ala1745Thr; replaces alanine 1745 with threonine.
Molecular consequence: missense variant.
Genome position (GRCh38, 1-based): chr15:48,460,309, C>T on the plus strand (G>A on the coding strand, the complement: FBN1 is on the minus strand). VCF-style: chr15-48460309-C-T. GRCh37 (hg19) VCF-style: chr15-48752506-C-T.
Other names: c.5233G>A, p.Ala1745Thr (NM_001406716.1); short protein forms A1745T.
Identifiers: ClinVar variation 2453671 (VCV002453671.4), dbSNP rs1217819225, ClinGen allele CA392348086.

ClinVar aggregate classification (germline): Uncertain significance. Review status: criteria provided, multiple submitters, no conflicts (2 of 4 stars). 3 submissions from 3 submitters: Uncertain significance (3). Last evaluated 2025-06-30.

Conditions:
Familial thoracic aortic aneurysm and aortic dissection (TAAD). Also called: Thoracic aortic aneurysms and dissections. Identifiers: Orphanet 91387, MedGen C4707243, MONDO:0019625.
Marfan syndrome (MFS). Also called: MARFAN SYNDROME, TYPE I; FBN1-Related Marfan Syndrome; Marfan syndrome type 1; Marfan's syndrome; Marfan syndrome, classic. Identifiers: Orphanet 284963, Orphanet 558, MedGen C0024796, MONDO:0007947, OMIM 154700.

Allele frequency attached by ClinVar (database versions not stated): gnomAD 0.00001.
gnomAD v4.1: 1 of 1,611,324 alleles (0.000062%); highest among the groups gnomAD compares: African/African-American, 0.0013%; no homozygotes.

Submissions (3):

Color Diagnostics, LLC DBA Color Health
Classification: Uncertain significance for Familial thoracic aortic aneurysm and aortic dissection. Last evaluated: 2025-06-30. Review status: criteria provided, single submitter. Criteria: ACMG Guidelines, 2015. Collection method: clinical testing. Allele origin: germline.
Comment: This missense variant replaces alanine with threonine at codon 1745 of the FBN1 protein. Computational prediction suggests that this variant may not impact protein structure and function. To our knowledge, functional studies have not been reported for this variant. This variant has not been reported in individuals affected with FBN1-related disorders in the literature. This variant has not been identified in the general population by the Genome Aggregation Database (gnomAD). The available evidence is insufficient to determine the role of this variant in disease conclusively. Therefore, this variant is classified as a Variant of Uncertain Significance.

All of Us Research Program, National Institutes of Health
Classification: Uncertain significance for Marfan syndrome. Last evaluated: 2023-05-16. Review status: criteria provided, single submitter. Criteria: ACMG Guidelines, 2015. Collection method: clinical testing. Allele origin: germline. Inheritance: Autosomal dominant inheritance. Observed: 1 variant allele, 1 heterozygote.
Comment: This missense variant replaces alanine with threonine at codon 1745 of the FBN1 protein. Computational prediction suggests that this variant may not impact protein structure and function (internally defined REVEL score threshold <= 0.5, PMID: 27666373). To our knowledge, functional studies have not been reported for this variant. This variant has not been reported in individuals affected with FBN1-related disorders in the literature. This variant has not been identified in the general population by the Genome Aggregation Database (gnomAD). The available evidence is insufficient to determine the role of this variant in disease conclusively. Therefore, this variant is classified as a Variant of Uncertain Significance.

This study involves interpretation of variants in research participants for the purpose of population health screening. Participant phenotype was not available at the time of variant classification. Additional details can be found in publication PMID: 35346344, PMCID: PMC8962531

Ambry Genetics
Classification: Uncertain significance for Familial thoracic aortic aneurysm and aortic dissection. Last evaluated: 2022-11-08. Review status: criteria provided, single submitter. Criteria: Ambry Variant Classification Scheme 2023. Collection method: clinical testing. Allele origin: germline.
Comment: The p.A1745T variant (also known as c.5233G>A), located in coding exon 42 of the FBN1 gene, results from a G to A substitution at nucleotide position 5233. The alanine at codon 1745 is replaced by threonine, an amino acid with similar properties. This amino acid position is well conserved in available vertebrate species. In addition, this alteration is predicted to be tolerated by in silico analysis. Since supporting evidence is limited at this time, the clinical significance of this alteration remains unclear.